The following is an entry in ClinVar:

ClinVar aggregate classification (germline): Uncertain significance (1 of 4 stars; one submission).

Conditions:
Malignant hyperthermia, susceptibility to, 1 (MHS1). Also called: Anesthesia related hyperthermia; Malignant hyperpyrexia; Fulminating hyperpyrexia; Pharmacogenic myopathy; RYR1-Related Malignant Hyperthermia Susceptibility; Malignant hyperthermia suceptibility 1. Identifiers: Orphanet 423, MedGen C2930980, MONDO:0007783, OMIM 145600.

gnomAD v4.1: 1 of 1,612,980 alleles (0.000062%); highest among the groups gnomAD compares: Admixed American, 0.0017%; no homozygotes.

Submission:

All of Us Research Program, National Institutes of Health
Classification: Uncertain significance for Malignant hyperthermia, susceptibility to, 1. Last evaluated: 2024-02-22. Review status: criteria provided, single submitter. Criteria: ACMG Guidelines, 2015. Collection method: clinical testing. Allele origin: germline. Inheritance: Autosomal dominant inheritance. Observed: 1 variant allele, 1 heterozygote.
Comment: This missense variant replaces phenylalanine with serine at codon 1838 of the RYR1 protein. Computational prediction suggests that this variant may have deleterious impact on protein structure and function (internally defined REVEL score threshold >= 0.7, PMID: 27666373). To our knowledge, functional studies have not been reported for this variant. This variant has not been reported in individuals affected with RYR1-related disorders in the literature. This variant has been identified in 1/239176 chromosomes in the general population by the Genome Aggregation Database (gnomAD). The available evidence is insufficient to determine the role of this variant in disease conclusively. Therefore, this variant is classified as a Variant of Uncertain Significance.

This study involves interpretation of variants in research participants for the purpose of population health screening. Participant phenotype was not available at the time of variant classification. Additional details can be found in publication PMID: 35346344, PMCID: PMC8962531

NM_000540.3(RYR1):c.5513T>C (p.Phe1838Ser)

Gene: RYR1 (ryanodine receptor 1; plus strand). Cytogenetic location: 19q13.2.
Variant type: single nucleotide variant.
Coding change: c.5513T>C on transcript NM_000540.3 (MANE Select); coding-DNA position 5513, T replaced by C.
Protein change: p.Phe1838Ser; replaces phenylalanine 1838 with serine.
Molecular consequence: missense variant.
Genome position (GRCh38, 1-based): chr19:38,486,168, T>C. VCF-style: chr19-38486168-T-C. GRCh37 (hg19) VCF-style: chr19-38976808-T-C.
Other names: c.5513T>C, p.Phe1838Ser (NM_001042723.2); short protein forms F1838S.
Identifiers: ClinVar variation 3387744 (VCV003387744.1).